The following is an entry in ClinVar:

NM_014849.5(SV2A):c.573C>T (p.Pro191=)

Gene: SV2A (synaptic vesicle glycoprotein 2A; minus strand). Cytogenetic location: 1q21.2.
Variant type: single nucleotide variant.
Coding change: c.573C>T on transcript NM_014849.5 (MANE Select); coding-DNA position 573, C replaced by T.
Protein change: p.Pro191=; no amino-acid change (proline 191 retained).
Molecular consequence: synonymous variant.
Genome position (GRCh38, 1-based): chr1:149,913,268, G>A on the plus strand (C>T on the coding strand, the complement: SV2A is on the minus strand). VCF-style: chr1-149913268-G-A. GRCh37 (hg19) VCF-style: chr1-149884820-G-A.
Other names: c.573C>T, p.Pro191= (NM_001328674.2, NM_001328675.2).
Identifiers: ClinVar variation 2639155 (VCV002639155.24), dbSNP rs377656663, ClinGen allele CA1071208.

ClinVar aggregate classification (germline): Likely benign (1 of 4 stars; one submission).

Allele frequency attached by ClinVar (database versions not stated): ExAC 0.00004; gnomAD exomes 0.00007; ESP Exome Variant Server 0.00008; gnomAD 0.00011; TOPMed 0.00015.
gnomAD v4.1: 120 of 1,613,950 alleles (0.0074%); highest among the groups gnomAD compares: Admixed American, 0.023%; no homozygotes.

Submission:

CeGaT Center for Human Genetics Tuebingen
Classification: Likely benign. Last evaluated: 2022-09-01. Review status: criteria provided, single submitter. Criteria: CeGaT Center For Human Genetics Tuebingen Variant Classification Criteria Version 2. Collection method: clinical testing. Allele origin: germline. Affected: yes. Observed: 1 variant allele.
Comment: SV2A: BP4, BP7